The following is an entry in ClinVar:

ClinVar aggregate classification (germline): Conflicting classifications of pathogenicity. Review status: criteria provided, conflicting classifications (1 of 4 stars). 3 submissions from 3 submitters: Uncertain significance (1); Likely benign (1). 1 of the submissions does not count toward it. Last evaluated 2025-10-06.

Conditions:
Spinocerebellar ataxia type 42. Identifiers: Orphanet 458803, MedGen C4225205, MONDO:0014776, OMIM 616795.

gnomAD v4.1: 158 of 1,558,996 alleles (0.01%); highest among the groups gnomAD compares: Non-Finnish European, 0.013%; no homozygotes.

Submissions (3):

Labcorp Genetics (formerly Invitae), Labcorp
Classification: Likely benign. Last evaluated: 2025-10-06. Review status: criteria provided, single submitter. Criteria: Invitae Variant Classification Sherloc (09022015). Collection method: clinical testing. Allele origin: germline.

Mayo Clinic Laboratories, Mayo Clinic
Classification: Uncertain significance. Last evaluated: 2025-03-06. Review status: criteria provided, single submitter. Criteria: ACMG Guidelines, 2015. Collection method: clinical testing. Allele origin: germline. Observed: 1 variant allele.
Comment: BS2, PP3

Zotz-Klimas Genetics Lab, MVZ Zotz Klimas
Classification: Uncertain significance for Spinocerebellar ataxia type 42. Last evaluated: 2023-10-30. Review status: no assertion criteria provided. Collection method: clinical testing. Allele origin: germline. Affected: yes. Not counted in ClinVar's aggregate classification.

NM_018896.5(CACNA1G):c.1367G>T (p.Arg456Leu)

Gene: CACNA1G (calcium voltage-gated channel subunit alpha1 G; plus strand). Cytogenetic location: 17q21.33.
Variant type: single nucleotide variant.
Coding change: c.1367G>T on transcript NM_018896.5 (MANE Select); coding-DNA position 1367, G replaced by T.
Protein change: p.Arg456Leu; replaces arginine 456 with leucine.
Molecular consequence: missense variant. On other transcripts: non-coding transcript variant (5).
Genome position (GRCh38, 1-based): chr17:50,575,769, G>T. VCF-style: chr17-50575769-G-T. GRCh37 (hg19) VCF-style: chr17-48653130-G-T.
Other names: p.Arg456Leu; c.1367G>T, p.Arg456Leu (NM_001256324.2, NM_001256325.2, NM_001256326.2 and 24 more transcripts); short protein forms R456L.
Identifiers: ClinVar variation 2177469 (VCV002177469.6), dbSNP rs116920450, ClinGen allele CA8652163.